The following is an entry in ClinVar:

NM_001165963.4(SCN1A):c.2066T>G (p.Met689Arg)

Gene: SCN1A (sodium voltage-gated channel alpha subunit 1; minus strand). Cytogenetic location: 2q24.3.
Variant type: single nucleotide variant.
Coding change: c.2066T>G on transcript NM_001165963.4 (MANE Select); coding-DNA position 2066, T replaced by G.
Protein change: p.Met689Arg; replaces methionine 689 with arginine.
Molecular consequence: missense variant. On other transcripts: 5 prime UTR variant (1), non-coding transcript variant (1).
Genome position (GRCh38, 1-based): chr2:166,042,402, A>C on the plus strand (T>G on the coding strand, the complement: SCN1A is on the minus strand). VCF-style: chr2-166042402-A-C. GRCh37 (hg19) VCF-style: chr2-166898912-A-C.
Other names: c.1982T>G, p.Met661Arg (NM_001165964.3, NM_001353957.2, NM_001353958.2); c.2066T>G, p.Met689Arg (NM_001202435.3, NM_001353948.2); c.2033T>G, p.Met678Arg (NM_001353949.2, NM_001353950.2, NM_001353951.2 and 2 more transcripts); c.2030T>G, p.Met677Arg (NM_001353954.2, NM_001353955.2); c.1979T>G, p.Met660Arg (NM_001353960.2); c.-393T>G (NM_001353961.2); short protein forms M660R, M661R, M677R, M678R, M689R.
Identifiers: ClinVar variation 2571974 (VCV002571974.1), dbSNP rs1559213016, ClinGen allele CA349066102.

ClinVar aggregate classification (germline): Uncertain significance (1 of 4 stars; one submission).

Submission:

GeneDx
Classification: Uncertain significance. Last evaluated: 2023-01-10. Review status: criteria provided, single submitter. Criteria: GeneDx Variant Classification Process June 2021. Collection method: clinical testing. Allele origin: germline. Affected: yes.
Comment: Not observed at significant frequency in large population cohorts (gnomAD); Missense variants in this gene are often considered pathogenic (HGMD); In silico analysis supports that this missense variant has a deleterious effect on protein structure/function; Has not been previously published as pathogenic or benign to our knowledge; This substitution is predicted to be in the cytoplasmic loop between the first and second homologous domains.